The following is an entry in ClinVar:

NM_016035.5(COQ4):c.781G>A (p.Val261Ile)

Gene: COQ4 (coenzyme Q4; plus strand). Cytogenetic location: 9q34.11.
Variant type: single nucleotide variant.
Coding change: c.781G>A on transcript NM_016035.5 (MANE Select); coding-DNA position 781, G replaced by A.
Protein change: p.Val261Ile; replaces valine 261 with isoleucine.
Molecular consequence: missense variant. On other transcripts: 3 prime UTR variant (1).
Genome position (GRCh38, 1-based): chr9:128,333,628, G>A. VCF-style: chr9-128333628-G-A. GRCh37 (hg19) VCF-style: chr9-131095907-G-A.
Other names: c.*157G>A (NM_001305942.2); short protein forms V261I.
Identifiers: ClinVar variation 2051838 (VCV002051838.14), dbSNP rs149137752, ClinGen allele CA5260691.

ClinVar aggregate classification (germline): Uncertain significance. Review status: criteria provided, multiple submitters, no conflicts (2 of 4 stars). 2 submissions from 2 submitters: Uncertain significance (2). Last evaluated 2024-12-01.

Conditions:
Neonatal encephalomyopathy-cardiomyopathy-respiratory distress syndrome. Also called: Coenzyme Q10 deficiency, primary, 7. Identifiers: Orphanet 457185, MedGen C5568562, MONDO:0014562, OMIM 616276.

Allele frequency attached by ClinVar (database versions not stated): gnomAD exomes 0.00003; gnomAD 0.00005; TOPMed 0.00005; ExAC 0.00009; ESP Exome Variant Server 0.00031.

Submissions (2):

CeGaT Center for Human Genetics Tuebingen
Classification: Uncertain significance. Last evaluated: 2024-12-01. Review status: criteria provided, single submitter. Criteria: CeGaT Center For Human Genetics Tuebingen Variant Classification Criteria Version 2. Collection method: clinical testing. Allele origin: germline. Affected: yes. Observed: 1 variant allele.
Comment: COQ4: PM2, BP4

Labcorp Genetics (formerly Invitae), Labcorp
Classification: Uncertain significance for Neonatal encephalomyopathy-cardiomyopathy-respiratory distress syndrome. Last evaluated: 2022-07-13. Review status: criteria provided, single submitter. Criteria: Invitae Variant Classification Sherloc (09022015). Collection method: clinical testing. Allele origin: germline.
Comment: This sequence change replaces valine, which is neutral and non-polar, with isoleucine, which is neutral and non-polar, at codon 261 of the COQ4 protein (p.Val261Ile). This variant is present in population databases (rs149137752, gnomAD 0.06%). This variant has not been reported in the literature in individuals affected with COQ4-related conditions. Algorithms developed to predict the effect of missense changes on protein structure and function output the following: SIFT: "Tolerated"; PolyPhen-2: "Benign"; Align-GVGD: "Class C0". The isoleucine amino acid residue is found in multiple mammalian species, which suggests that this missense change does not adversely affect protein function. In summary, the available evidence is currently insufficient to determine the role of this variant in disease. Therefore, it has been classified as a Variant of Uncertain Significance.